The following is an entry in ClinVar:

ClinVar aggregate classification (germline): Likely pathogenic (1 of 4 stars; one submission).

Conditions:
Pan-Chung-Bellen syndrome. Identifiers: MedGen C5975547, MONDO:0975953, OMIM 621049.

Submission:

Dasa
Classification: Likely pathogenic for Pan-Chung-Bellen syndrome. Last evaluated: 2025-10-17. Review status: criteria provided, single submitter. Criteria: DASA Assertion Criteria. Collection method: clinical testing. Allele origin: germline.
Comment: NM_015030.2(FRYL):c.2997-2A>G affects a canonical splice site and is predicted to disrupt normal RNA splicing. Loss of function is an established disease mechanism for FRYL-associated disorders. Also, this variant is absent from population databases. Based on the currently available evidence, this variant is classified as likely pathogenic.

NM_015030.2(FRYL):c.2997-2A>G

Gene: FRYL (FRY like transcription coactivator; minus strand). Cytogenetic location: 4p11.
Variant type: single nucleotide variant.
Coding change: c.2997-2A>G on transcript NM_015030.2 (MANE Select); the canonical splice acceptor site of the intron before coding-DNA position 2997, A replaced by G.
Molecular consequence: splice acceptor variant.
Genome position (GRCh38, 1-based): chr4:48,567,422, T>C on the plus strand (A>G on the coding strand, the complement: FRYL is on the minus strand). VCF-style: chr4-48567422-T-C. GRCh37 (hg19) VCF-style: chr4-48569439-T-C.
Identifiers: ClinVar variation 4880713 (VCV004880713.2).